The following is an entry in ClinVar:

NM_000232.5(SGCB):c.342dup (p.Asp115Ter)

Gene: SGCB (sarcoglycan beta; minus strand). Cytogenetic location: 4q12.
Variant type: Duplication.
Coding change: c.342dup on transcript NM_000232.5 (MANE Select); coding-DNA position 342, one base duplicated (T; older notation c.342dupT).
Protein change: p.Asp115Ter; replaces aspartic acid 115 with a stop codon.
Molecular consequence: nonsense.
Genome position (GRCh38, 1-based): chr4:52,029,765, A duplicated on the plus strand (T on the coding strand, the reverse complement: SGCB is on the minus strand). VCF-style (leftmost placement, unchanged base first): chr4-52029764-C-CA. GRCh37 (hg19) VCF-style: chr4-52895930-C-CA.
Other names: c.132dup, p.Asp45Ter (NM_001440519.1); c.45dup, p.Asp16Ter (NM_001440520.1); short protein forms D115*, D16*, D45*.
Identifiers: ClinVar variation 4817945 (VCV004817945.1).

ClinVar aggregate classification (germline): Likely pathogenic (1 of 4 stars; one submission).

Conditions:
Autosomal recessive limb-girdle muscular dystrophy type 2E (LGMDR4). Also called: MUSCULAR DYSTROPHY, LIMB-GIRDLE, AUTOSOMAL RECESSIVE 4. Identifiers: Orphanet 119, MedGen C1858593, MONDO:0011423, OMIM 604286. Disease mechanism: Affects gamma-sarcoglycan and also disrupts the integrity of the entire sarcoglycan complex..

Submission:

Natera, Inc.
Classification: Likely pathogenic for Limb-girdle muscular dystrophy type 2E. Last evaluated: 2024-08-21. Review status: criteria provided, single submitter. Criteria: Natera Variant Classification Schema (03/2026). Collection method: clinical testing. Allele origin: germline.
Comment: The c.342dup variant in SGCB is a frameshift variant predicted to shift the reading frame and introduce a stop codon. This variant is expected to result in nonsense mediated decay, truncation, or a dysfunctional protein product. This variant is rare in the general population with a frequency below the threshold expected for the associated phenotype(s). Given the available evidence, this variant is classified as Likely Pathogenic.